The following is an entry in ClinVar:

NM_001849.4(COL6A2):c.2054C>T (p.Ser685Leu)

Gene: COL6A2 (collagen type VI alpha 2 chain; plus strand). Cytogenetic location: 21q22.3.
Variant type: single nucleotide variant.
Coding change: c.2054C>T on transcript NM_001849.4 (MANE Select); coding-DNA position 2054, C replaced by T.
Protein change: p.Ser685Leu; replaces serine 685 with leucine.
Molecular consequence: missense variant.
Genome position (GRCh38, 1-based): chr21:46,125,869, C>T. VCF-style: chr21-46125869-C-T. GRCh37 (hg19) VCF-style: chr21-47545783-C-T.
Other names: c.2054C>T, p.Ser685Leu (NM_058174.3, NM_058175.3); c.2054C>T (NM_001849.3); short protein forms S685L.
Identifiers: ClinVar variation 1049390 (VCV001049390.6), dbSNP rs564873527, ClinGen allele CA321972637.

ClinVar aggregate classification (germline): Uncertain significance. Review status: criteria provided, multiple submitters, no conflicts (2 of 4 stars). 4 submissions from 4 submitters: Uncertain significance (3). 1 of the submissions does not count toward it. Last evaluated 2025-06-04.

Conditions:
Inborn genetic diseases. Identifiers: MedGen C0950123, MeSH D030342.
Bethlem myopathy 1A. Also called: Bethlem myopathy 1; MYOPATHY, BENIGN CONGENITAL, WITH CONTRACTURES; Bethlem Muscular Dystrophy. Identifiers: Orphanet 610, MedGen CN029274, MONDO:0024530, OMIM 158810.

Allele frequency attached by ClinVar (database versions not stated): gnomAD 0.00002 and 0.00003.
gnomAD v4.1: 14 of 1,613,088 alleles (0.00087%); highest among the groups gnomAD compares: African/African-American, 0.0013%; no homozygotes.

Submissions (4):

Labcorp Genetics (formerly Invitae), Labcorp
Classification: Uncertain significance for Bethlem myopathy 1A. Last evaluated: 2025-06-04. Review status: criteria provided, single submitter. Criteria: Invitae Variant Classification Sherloc (09022015). Collection method: clinical testing. Allele origin: germline.
Comment: This sequence change replaces serine, which is neutral and polar, with leucine, which is neutral and non-polar, at codon 685 of the COL6A2 protein (p.Ser685Leu). This variant is present in population databases (rs564873527, gnomAD 0.008%). This variant has not been reported in the literature in individuals affected with COL6A2-related conditions. ClinVar contains an entry for this variant (Variation ID: 1049390). Invitae Evidence Modeling of protein sequence and biophysical properties (such as structural, functional, and spatial information, amino acid conservation, physicochemical variation, residue mobility, and thermodynamic stability) indicates that this missense variant is expected to disrupt COL6A2 protein function with a positive predictive value of 80%. In summary, the available evidence is currently insufficient to determine the role of this variant in disease. Therefore, it has been classified as a Variant of Uncertain Significance.

Blueprint Genetics
Classification: Uncertain significance. Last evaluated: 2024-11-04. Review status: criteria provided, single submitter. Criteria: ACMG Guidelines, 2015. Collection method: clinical testing. Allele origin: germline.

Ambry Genetics
Classification: Uncertain significance for Inborn genetic diseases. Last evaluated: 2023-11-17. Review status: criteria provided, single submitter. Criteria: Ambry Variant Classification Scheme 2023. Collection method: clinical testing. Allele origin: germline.

Department of Pathology and Laboratory Medicine, Sinai Health System
Classification: Uncertain significance. Review status: no assertion criteria provided. Collection method: clinical testing. Allele origin: unknown. Affected: yes. Study: The Canadian Open Genetics Repository (COGR). Not counted in ClinVar's aggregate classification.
Comment: The COL6A2 p.Ser685Leu variant was not identified in the literature nor was it identified in ClinVar. The variant was identified in dbSNP (ID: rs564873527) and LOVD 3.0. The variant was identified in control databases in 4 of 282260 chromosomes at a frequency of 0.00001417 (Genome Aggregation Database March 6, 2019, v2.1.1). The variant was observed in the following populations: African in 2 of 24906 chromosomes (freq: 0.00008) and European (non-Finnish) in 2 of 128726 chromosomes (freq: 0.000016), but was not observed in the Latino, Ashkenazi Jewish, East Asian, European (Finnish), Other, or South Asian populations. Although the p.Ser685 residue is not conserved in mammals and other organisms, computational analyses (PolyPhen-2, SIFT, AlignGVGD, BLOSUM, MutationTaster) suggest that the variant may impact the protein. The variant occurs outside of the splicing consensus sequence and in silico or computational prediction software programs (SpliceSiteFinder, MaxEntScan, NNSPLICE, GeneSplicer) do not predict a difference in splicing. In summary, based on the above information the clinical significance of this variant cannot be determined with certainty at this time. This variant is classified as a variant of uncertain significance.